The following is an entry in ClinVar:

NM_000553.6(WRN):c.587G>T (p.Arg196Leu)

Gene: WRN (WRN RecQ like helicase; plus strand). Cytogenetic location: 8p12.
Variant type: single nucleotide variant.
Coding change: c.587G>T on transcript NM_000553.6 (MANE Select); coding-DNA position 587, G replaced by T.
Protein change: p.Arg196Leu; replaces arginine 196 with leucine.
Molecular consequence: missense variant.
Genome position (GRCh38, 1-based): chr8:31,067,115, G>T. VCF-style: chr8-31067115-G-T. GRCh37 (hg19) VCF-style: chr8-30924631-G-T.
Other names: short protein forms R196L.
Identifiers: ClinVar variation 955670 (VCV000955670.5), dbSNP rs561603992, ClinGen allele CA370916175.
Genomic context (GRCh38, chr8:31,067,115, plus strand): 5'-GCCTTAACAGTCTGGTTAAACACCTCTTAGGTAAACAGCTCCTGAAAGACAAGTCTATCC[G>T]CTGTAGCAATTGGAGTAAATTTCCTCTCACTGAGGACCAGAAACTGTATGCAGCCACTGA-3'
Protein context (NP_000544.2, residues 186-206): GKQLLKDKSI[Arg196Leu]CSNWSKFPLT

ClinVar aggregate classification (germline): Uncertain significance (1 of 4 stars; one submission).

Conditions:
Werner syndrome (WRN). Identifiers: Orphanet 902, MedGen C0043119, MONDO:0010196, OMIM 277700.

gnomAD v4.1: 3 of 1,613,930 alleles (0.00019%); highest among the groups gnomAD compares: Non-Finnish European, 0.00025%; no homozygotes.

Submission:

Labcorp Genetics (formerly Invitae), Labcorp
Classification: Uncertain significance for Werner syndrome. Last evaluated: 2024-05-28. Review status: criteria provided, single submitter. Criteria: Invitae Variant Classification Sherloc (09022015). Collection method: clinical testing. Allele origin: germline.
Comment: This sequence change replaces arginine, which is basic and polar, with leucine, which is neutral and non-polar, at codon 196 of the WRN protein (p.Arg196Leu). This variant is not present in population databases (gnomAD no frequency). This variant has not been reported in the literature in individuals affected with WRN-related conditions. ClinVar contains an entry for this variant (Variation ID: 955670). An algorithm developed to predict the effect of missense changes on protein structure and function (PolyPhen-2) suggests that this variant is likely to be disruptive. In summary, the available evidence is currently insufficient to determine the role of this variant in disease. Therefore, it has been classified as a Variant of Uncertain Significance.